The following is an entry in ClinVar:

NM_001288705.3(CSF1R):c.2759A>C (p.Glu920Ala)

Gene: CSF1R (colony stimulating factor 1 receptor; minus strand). Cytogenetic location: 5q32.
Variant type: single nucleotide variant.
Coding change: c.2759A>C on transcript NM_001288705.3 (MANE Select); coding-DNA position 2759, A replaced by C.
Protein change: p.Glu920Ala; replaces glutamic acid 920 with alanine.
Molecular consequence: missense variant. On other transcripts: non-coding transcript variant (2).
Genome position (GRCh38, 1-based): chr5:150,054,326, T>G on the plus strand (A>C on the coding strand, the complement: CSF1R is on the minus strand). VCF-style: chr5-150054326-T-G. GRCh37 (hg19) VCF-style: chr5-149433889-T-G.
Other names: c.2759A>C, p.Glu920Ala (NM_001349736.2, NM_001375320.1, NM_005211.4); c.2315A>C, p.Glu772Ala (NM_001375321.1); short protein forms E772A, E920A.
Identifiers: ClinVar variation 2627349 (VCV002627349.1), dbSNP rs964312276, ClinGen allele CA129101171.
Genomic context (GRCh38, chr5:150,054,326, plus strand): 5'-CAGGCCCAGCCCAACGTGCTTTACCGGCCACCCACCCCAAGCCTCACCCCACTCACCCGC[T>G]CTCTCCTGTCCTCTTGGGCCTGCTCCTGAAGGAAGGAGCAGATCTGCTGGAAGGTGGGTC-3'
Protein context (NP_001275634.1, residues 910-930): LQEQAQEDRR[Glu920Ala]RDYTNLPSSS

ClinVar aggregate classification (germline): Uncertain significance (1 of 4 stars; one submission).

Allele frequency attached by ClinVar (database versions not stated): gnomAD 0.00001; TOPMed 0.00001.
gnomAD v4.1: 1 of 1,613,944 alleles (0.000062%); highest among the groups gnomAD compares: Admixed American, 0.0017%; no homozygotes.

Submission:

Women's Health and Genetics/Laboratory Corporation of America, LabCorp
Classification: Uncertain significance. Last evaluated: 2023-09-28. Review status: criteria provided, single submitter. Criteria: LabCorp Variant Classification Summary - May 2015. Collection method: clinical testing. Allele origin: germline.
Comment: Variant summary: CSF1R c.2759A>C (p.Glu920Ala) results in a non-conservative amino acid change in the encoded protein sequence. Four of five in-silico tools predict a benign effect of the variant on protein function. The variant was absent in 250700 control chromosomes. The available data on variant occurrences in the general population are insufficient to allow any conclusion about variant significance. To our knowledge, no occurrence of c.2759A>C in individuals affected with Brain Abnormalities, Neurodegeneration, And Dysosteosclerosis and no experimental evidence demonstrating its impact on protein function have been reported. No submitters have cited clinical-significance assessments for this variant to ClinVar after 2014. Based on the evidence outlined above, the variant was classified as uncertain significance.